The following is an entry in ClinVar:

ClinVar aggregate classification (germline): Uncertain significance (1 of 4 stars; one submission).

Conditions:
Nephronophthisis. Also called: Juvenile Nephronophthisis. Identifiers: Orphanet 655, MedGen C0687120, MONDO:0019005, HP:0000090.
Jeune thoracic dystrophy. Also called: Jeune syndrome; Infantile thoracic dystrophy; Thoracic pelvic phalangeal dystrophy; Jeune's syndrome; Chondroectodermal dysplasia-like syndrome; Short-rib thoracic dysplasia. Identifiers: Orphanet 474, MedGen C0265275, MONDO:0018770.

Submission:

Labcorp Genetics (formerly Invitae), Labcorp
Classification: Uncertain significance for Jeune thoracic dystrophy; Nephronophthisis. Last evaluated: 2022-02-18. Review status: criteria provided, single submitter. Criteria: Invitae Variant Classification Sherloc (09022015). Collection method: clinical testing. Allele origin: germline.
Comment: In summary, the available evidence is currently insufficient to determine the role of this variant in disease. Therefore, it has been classified as a Variant of Uncertain Significance. Variants that disrupt the consensus splice site are a relatively common cause of aberrant splicing (PMID: 17576681, 9536098). Algorithms developed to predict the effect of sequence changes on RNA splicing suggest that this variant may disrupt the consensus splice site. This variant has not been reported in the literature in individuals affected with TTC21B-related conditions. This variant is present in population databases (no rsID available, gnomAD 0.003%). This sequence change falls in intron 1 of the TTC21B gene. It does not directly change the encoded amino acid sequence of the TTC21B protein. It affects a nucleotide within the consensus splice site.

Literature cited by the submitters: PubMed 17576681; PubMed 9536098.

NM_024753.5(TTC21B):c.21+5_21+6insGGTGAGTG

Gene: TTC21B (tetratricopeptide repeat domain 21B; minus strand). Cytogenetic location: 2q24.3.
Variant type: Insertion.
Coding change: c.21+5_21+6insGGTGAGTG on transcript NM_024753.5 (MANE Select); bases 5 to 6 of the intron after coding-DNA position 21, GGTGAGTG inserted.
Molecular consequence: splice donor variant.
Genome position: GRCh38 VCF-style: chr2-165953679-G-GCTCACCCA. GRCh37 (hg19) VCF-style: chr2-166810189-G-GCTCACCCA.
Identifiers: ClinVar variation 1928399 (VCV001928399.5), dbSNP rs1284385990, ClinGen allele CA537160289.